The following is an entry in ClinVar:

NM_016464.5(TMEM138):c.465G>A (p.Lys155=)

Gene: TMEM138 (transmembrane protein 138; plus strand). Cytogenetic location: 11q12.2.
Variant type: single nucleotide variant.
Coding change: c.465G>A on transcript NM_016464.5 (MANE Select); coding-DNA position 465, G replaced by A.
Protein change: p.Lys155=; no amino-acid change (lysine 155 retained).
Molecular consequence: synonymous variant. On other transcripts: non-coding transcript variant (1).
Genome position (GRCh38, 1-based): chr11:61,368,685, G>A. VCF-style: chr11-61368685-G-A. GRCh37 (hg19) VCF-style: chr11-61136157-G-A.
Other names: c.291G>A, p.Lys97= (NM_001330281.2).
Identifiers: ClinVar variation 642950 (VCV000642950.8), dbSNP rs141851191, ClinGen allele CA6034670.

ClinVar aggregate classification (germline): Likely benign. Review status: criteria provided, single submitter (1 of 4 stars). 2 submissions from 2 submitters: Likely benign (1). 1 of the submissions does not count toward it. Last evaluated 2025-12-22.

Conditions:
TMEM138-related disorder. Also called: TMEM138-related condition.
Joubert syndrome 16 (JBTS16). Identifiers: Orphanet 2318, MedGen C3280906, MONDO:0013764, OMIM 614465.

Allele frequency attached by ClinVar (database versions not stated): gnomAD exomes 0.00001 and 0.00002; ExAC 0.00002; gnomAD 0.00011; TOPMed 0.00011.

Submissions (2):

Labcorp Genetics (formerly Invitae), Labcorp
Classification: Likely benign for Joubert syndrome 16. Last evaluated: 2025-12-22. Review status: criteria provided, single submitter. Criteria: Invitae Variant Classification Sherloc (09022015). Collection method: clinical testing. Allele origin: germline.

PreventionGenetics, part of Exact Sciences
Classification: Likely benign for TMEM138-related condition. Last evaluated: 2019-06-12. Review status: no assertion criteria provided. Collection method: clinical testing. Allele origin: germline. Not counted in ClinVar's aggregate classification.
Comment: This variant is classified as likely benign based on ACMG/AMP sequence variant interpretation guidelines (Richards et al. 2015 PMID: 25741868, with internal and published modifications).